The following is an entry in ClinVar:

ClinVar aggregate classification (germline): Uncertain significance (1 of 4 stars; one submission).

Submission:

GeneDx
Classification: Uncertain significance. Last evaluated: 2026-03-15. Review status: criteria provided, single submitter. Criteria: GeneDx Variant Classification Process June 2021. Collection method: clinical testing. Allele origin: germline.
Comment: Not observed at significant frequency in large population cohorts (gnomAD); Frameshift variant predicted to result in abnormal protein length as the last 103 amino acid(s) are replaced with 33 different amino acid(s); Has not been previously published as pathogenic or benign to our knowledge

NM_001353921.2(ARHGEF9):c.1261del (p.Ile421fs)

Gene: ARHGEF9 (Cdc42 guanine nucleotide exchange factor 9; minus strand). Cytogenetic location: Xq11.1.
Variant type: Deletion.
Coding change: c.1261del on transcript NM_001353921.2 (MANE Select); coding-DNA position 1261, one base deleted (A; older notation c.1261delA).
Protein change: p.Ile421fs; shifts the reading frame from isoleucine 421.
Molecular consequence: frameshift variant. On other transcripts: intron variant (2).
Genome position (GRCh38, 1-based): chrX:63,655,554, T deleted on the plus strand (A on the coding strand, the reverse complement: ARHGEF9 is on the minus strand); the first of 6 consecutive T bases (chrX:63,655,554-63,655,559); deleting any one gives the same sequence. VCF-style (leftmost placement, unchanged base first): chrX-63655553-AT-A. GRCh37 (hg19) VCF-style: chrX-62875433-AT-A.
Other names: c.1081del, p.Ile361fs (NM_001173479.2); c.934del, p.Ile312fs (NM_001173480.2, NM_001369042.1); c.1177del, p.Ile393fs (NM_001330495.2, NM_001369033.1, NM_001369034.1 and 4 more transcripts); c.1129del, p.Ile377fs (NM_001353922.2); c.1279del, p.Ile427fs (NM_001353923.1); c.1060del, p.Ile354fs (NM_001353924.2, NM_001353926.2, NM_001369039.1 and 1 more transcripts); c.1045del, p.Ile349fs (NM_001353927.2, NM_001369041.1); c.1108del, p.Ile370fs (NM_001353928.2); and 3 more; short protein forms I393fs, I414fs, I427fs, I232fs, I354fs, I361fs, I312fs, I349fs.
Identifiers: ClinVar variation 5009074 (VCV005009074.1).